The following is an entry in ClinVar:

ClinVar aggregate classification (germline): Uncertain significance (1 of 4 stars; one submission).

Submission:

Women's Health and Genetics/Laboratory Corporation of America, LabCorp
Classification: Uncertain significance. Last evaluated: 2023-07-24. Review status: criteria provided, single submitter. Criteria: LabCorp Variant Classification Summary - May 2015. Collection method: clinical testing. Allele origin: germline.
Comment: Variant summary: The variant identified by MLPA or other technology involves the deletion of exons 5-6 in the GRIK2 gene. A presumed nomenclature of c.(723+1_724-1)_(951+1_952-1)del has been designated for the purposes of this classification. Although exact breakpoints of this deletion are not known, it is expected to result in a large in-frame deletion of 76 amino acids within the receptor, ligand binding region (IPR001828) of the encoded protein sequence. Missense variants within this region have not been reported as pathogenic in ClinVar, and no in-frame INDEL variants have been reported within this deleted region to our knowledge. The variant was absent in 21572 control chromosomes (gnomAD Structural Variants dataset). The available data on variant occurrences in the general population are insufficient to allow any conclusion about variant significance. To our knowledge, no occurrence of c.(723+1_724-1)_(951+1_952-1)del in individuals affected with Intellectual Developmental Disorder and no experimental evidence demonstrating its impact on protein function have been reported. No submitters have reported clinical-significance assessments for this variant to ClinVar after 2014. Based on the evidence outlined above, the variant was classified as uncertain significance.

NC_000006.11:g.(102124680_102130427)_(102134229_102247522)del

Gene: GRIK2 (glutamate ionotropic receptor kainate type subunit 2; plus strand). Cytogenetic location: 6q16.3.
Variant type: Deletion.
Identifiers: ClinVar variation 2577144 (VCV002577144.1).